The following is an entry in ClinVar:

NM_006231.4(POLE):c.4415C>G (p.Ser1472Cys)

Gene: POLE (DNA polymerase epsilon, catalytic subunit; minus strand). Cytogenetic location: 12q24.33.
Variant type: single nucleotide variant.
Coding change: c.4415C>G on transcript NM_006231.4 (MANE Select); coding-DNA position 4415, C replaced by G.
Protein change: p.Ser1472Cys; replaces serine 1472 with cysteine.
Molecular consequence: missense variant.
Genome position (GRCh38, 1-based): chr12:132,643,436, G>C on the plus strand (C>G on the coding strand, the complement: POLE is on the minus strand). VCF-style: chr12-132643436-G-C. GRCh37 (hg19) VCF-style: chr12-133220022-G-C.
Other names: short protein forms S1472C.
Identifiers: ClinVar variation 965560 (VCV000965560.12), dbSNP rs761610433, ClinGen allele CA387381032.

ClinVar aggregate classification (germline): Uncertain significance. Review status: criteria provided, multiple submitters, no conflicts (2 of 4 stars). 2 submissions from 2 submitters: Uncertain significance (2). Last evaluated 2023-03-16.

Conditions:
Hereditary cancer-predisposing syndrome. Also called: Hereditary neoplastic syndrome; Neoplastic Syndromes, Hereditary; Hereditary Cancer Syndrome; Tumor predisposition. Identifiers: Orphanet 140162, MedGen C0027672, MeSH D009386, MONDO:0015356.

Submissions (2):

Labcorp Genetics (formerly Invitae), Labcorp
Classification: Uncertain significance. Last evaluated: 2023-03-16. Review status: criteria provided, single submitter. Criteria: Invitae Variant Classification Sherloc (09022015). Collection method: clinical testing. Allele origin: germline.
Comment: In summary, the available evidence is currently insufficient to determine the role of this variant in disease. Therefore, it has been classified as a Variant of Uncertain Significance. Advanced modeling of protein sequence and biophysical properties (such as structural, functional, and spatial information, amino acid conservation, physicochemical variation, residue mobility, and thermodynamic stability) performed at Invitae indicates that this missense variant is not expected to disrupt POLE protein function. ClinVar contains an entry for this variant (Variation ID: 965560). This variant has not been reported in the literature in individuals affected with POLE-related conditions. This variant is not present in population databases (gnomAD no frequency). This sequence change replaces serine, which is neutral and polar, with cysteine, which is neutral and slightly polar, at codon 1472 of the POLE protein (p.Ser1472Cys).

Ambry Genetics
Classification: Uncertain significance for Hereditary cancer-predisposing syndrome. Last evaluated: 2021-09-26. Review status: criteria provided, single submitter. Criteria: Ambry Variant Classification Scheme 2023. Collection method: clinical testing. Allele origin: germline.
Comment: The p.S1472C variant (also known as c.4415C>G), located in coding exon 34 of the POLE gene, results from a C to G substitution at nucleotide position 4415. The serine at codon 1472 is replaced by cysteine, an amino acid with dissimilar properties. This amino acid position is conserved. In addition, the in silico prediction for this alteration is inconclusive. Since supporting evidence is limited at this time, the clinical significance of this alteration remains unclear.